The following is an entry in ClinVar:

NM_002230.4(JUP):c.633C>T (p.Asn211=)

Gene: JUP (junction plakoglobin; minus strand). Cytogenetic location: 17q21.2.
Variant type: single nucleotide variant.
Coding change: c.633C>T on transcript NM_002230.4 (MANE Select); coding-DNA position 633, C replaced by T.
Protein change: p.Asn211=; no amino-acid change (asparagine 211 retained).
Molecular consequence: synonymous variant.
Genome position (GRCh38, 1-based): chr17:41,769,043, G>A on the plus strand (C>T on the coding strand, the complement: JUP is on the minus strand). VCF-style: chr17-41769043-G-A. GRCh37 (hg19) VCF-style: chr17-39925295-G-A.
Other names: c.633C>T, p.Asn211= (NM_001352773.2, NM_001352774.2, NM_001352775.2 and 3 more transcripts); c.633C>T (NM_002230.3).
Identifiers: ClinVar variation 178043 (VCV000178043.22), dbSNP rs372145644, ClinGen allele CA181269.

ClinVar aggregate classification (germline): Benign/Likely benign. Review status: criteria provided, multiple submitters, no conflicts (2 of 4 stars). 8 submissions from 8 submitters: Benign (2); Likely benign (5). 1 of the submissions does not count toward it. Last evaluated 2026-02-03.

Conditions:
Cardiovascular phenotype. Identifiers: MedGen CN230736.
JUP-related disorder. Also called: JUP-related condition.
Naxos disease (NXD). Also called: CARDIOMYOPATHY, ARRHYTHMOGENIC RIGHT VENTRICULAR, WITH SKIN, HAIR, AND NAIL ABNORMALITIES; KERATOSIS PALMOPLANTARIS WITH ARRHYTHMOGENIC CARDIOMYOPATHY; MAL DE NAXOS; PALMOPLANTAR KERATODERMA WITH ARRHYTHMOGENIC RIGHT VENTRICULAR CARDIOMYOPATHY AND WOOLLY HAIR; WOOLLY HAIR, PALMOPLANTAR KERATODERMA, AND CARDIAC ABNORMALITIES. Identifiers: Orphanet 34217, MedGen C1832600, MONDO:0011017, OMIM 601214.
Arrhythmogenic right ventricular dysplasia 12. Also called: ARRHYTHMOGENIC RIGHT VENTRICULAR DYSPLASIA, FAMILIAL, 12. Identifiers: MedGen C1969081, MONDO:0012684, OMIM 611528.

Allele frequency attached by ClinVar (database versions not stated): 1000 Genomes Project 0.00060; ESP Exome Variant Server 0.00008; gnomAD 0.00035 and 0.00036; TOPMed 0.00037; 1000 Genomes Project 30x 0.00047.
gnomAD v4.1: 100 of 1,613,082 alleles (0.0062%); highest among the groups gnomAD compares: African/African-American, 0.11%; 1 homozygote.

Submissions (8):

Labcorp Genetics (formerly Invitae), Labcorp
Classification: Benign for Arrhythmogenic right ventricular dysplasia 12; Naxos disease. Last evaluated: 2026-02-03. Review status: criteria provided, single submitter. Criteria: Invitae Variant Classification Sherloc (09022015). Collection method: clinical testing. Allele origin: germline.

Molecular Diagnostic Laboratory for Inherited Cardiovascular Disease, Montreal Heart Institute
Classification: Likely benign. Last evaluated: 2025-04-09. Review status: criteria provided, single submitter. Criteria: ACMG Guidelines, 2015. Collection method: clinical testing. Allele origin: germline. Affected: no.
Comment: BS1;BP7

Blueprint Genetics
Classification: Likely benign. Last evaluated: 2024-08-12. Review status: criteria provided, single submitter. Criteria: ACMG Guidelines, 2015. Collection method: clinical testing. Allele origin: germline.

Phosphorus, Inc.
Classification: Likely benign. Last evaluated: 2022-01-14. Review status: criteria provided, single submitter. Criteria: ACMG Guidelines, 2015. Collection method: clinical testing. Allele origin: germline. Inheritance: Autosomal recessive inheritance.
Comment: This is a synonymous variant occurring in gnomAD with a total MAF of 0.0070% and highest MAF of 0.1002%. This position is not strongly conserved and this variant is not predicted to impact splicing as it is located 75bp from the nearest splice site. This variant is not present in the literature in association with disease. Considering the evidence, this variant is Likely Benign.

Ambry Genetics
Classification: Likely benign for Cardiovascular phenotype. Last evaluated: 2019-04-25. Review status: criteria provided, single submitter. Criteria: Ambry Variant Classification Scheme 2023. Collection method: clinical testing. Allele origin: germline.

GeneDx
Classification: Benign. Last evaluated: 2016-03-28. Review status: criteria provided, single submitter. Criteria: GeneDx Variant Classification (06012015). Collection method: clinical testing. Allele origin: germline. Affected: yes.
Comment: This variant is considered likely benign or benign based on one or more of the following criteria: it is a conservative change, it occurs at a poorly conserved position in the protein, it is predicted to be benign by multiple in silico algorithms, and/or has population frequency not consistent with disease.

Laboratory for Molecular Medicine, Mass General Brigham Personalized Medicine
Classification: Likely benign. Last evaluated: 2014-11-17. Review status: criteria provided, single submitter. Criteria: LMM Criteria. Collection method: clinical testing. Allele origin: germline. Observed: 1 variant allele.
Comment: p.Asn211Asn in exon 4 of JUP: This variant is not expected to have clinical sign ificance because it does not alter an amino acid residue, is not located within the splice consensus sequence. It has been identified in 0.1% (2/3738) of Africa n American chromosomes from a broad population by the NHLBI Exome Sequencing Pro ject (dbSNP rs372145644).

PreventionGenetics, part of Exact Sciences
Classification: Likely benign for JUP-related condition. Last evaluated: 2022-04-06. Review status: no assertion criteria provided. Collection method: clinical testing. Allele origin: germline. Not counted in ClinVar's aggregate classification.
Comment: This variant is classified as likely benign based on ACMG/AMP sequence variant interpretation guidelines (Richards et al. 2015 PMID: 25741868, with internal and published modifications).